The following is an entry in ClinVar:

NM_000435.3(NOTCH3):c.499C>T (p.Pro167Ser)

Gene: NOTCH3 (notch receptor 3; minus strand). Cytogenetic location: 19p13.12.
Variant type: single nucleotide variant.
Coding change: c.499C>T on transcript NM_000435.3 (MANE Select); coding-DNA position 499, C replaced by T.
Protein change: p.Pro167Ser; replaces proline 167 with serine.
Molecular consequence: missense variant.
Genome position (GRCh38, 1-based): chr19:15,192,140, G>A on the plus strand (C>T on the coding strand, the complement: NOTCH3 is on the minus strand). VCF-style: chr19-15192140-G-A. GRCh37 (hg19) VCF-style: chr19-15302951-G-A.
Other names: short protein forms P167S.
Identifiers: ClinVar variation 767211 (VCV000767211.16), dbSNP rs202157633, ClinGen allele CA9263870.
Genomic context (GRCh38, chr19:15,192,140, plus strand): 5'-CTGGACACTGGCAGCGGAAGGAGCCAGGTGTGTTGAGGCAGGTGCCACCATGGCGGCAGG[G>A]CTCACCCACCCGGCACTCATCCACGTCGCTTCGGCAGCTGCGGCCCTGGTAGCCAGGTGG-3'
Protein context (NP_000426.2, residues 157-177): SDVDECRVGE[Pro167Ser]CRHGGTCLNT

ClinVar aggregate classification (germline): Benign/Likely benign. Review status: criteria provided, multiple submitters, no conflicts (2 of 4 stars). 5 submissions from 5 submitters: Benign (2); Likely benign (1). 2 of the submissions do not count toward it. Last evaluated 2026-07-01.

Conditions:
Cerebral arteriopathy with subcortical infarcts and leukoencephalopathy. Also called: Cerebral autosomal dominant arteriopathy with subcortical infarcts and leukoencephalopathy. Identifiers: MedGen C0751587, MONDO:0007432.
NOTCH3-related disorder. Also called: NOTCH3-related disorders; NOTCH3-related condition.

Allele frequency attached by ClinVar (database versions not stated): gnomAD exomes 0.00010 and 0.00033; gnomAD 0.00014 and 0.00018; TOPMed 0.00022; ExAC 0.00034; 1000 Genomes Project 30x 0.00094; 1000 Genomes Project 0.00100.

Submissions (5):

CeGaT Center for Human Genetics Tuebingen
Classification: Likely benign. Last evaluated: 2026-07-01. Review status: criteria provided, single submitter. Criteria: CeGaT Center For Human Genetics Tuebingen Variant Classification Criteria Version 2. Collection method: clinical testing. Allele origin: germline. Affected: yes. Observed: 1 variant allele.
Comment: NOTCH3: BS1

Labcorp Genetics (formerly Invitae), Labcorp
Classification: Benign. Last evaluated: 2026-01-26. Review status: criteria provided, single submitter. Criteria: Invitae Variant Classification Sherloc (09022015). Collection method: clinical testing. Allele origin: germline.

ARUP Laboratories, Molecular Genetics and Genomics, ARUP Laboratories
Classification: Benign. Last evaluated: 2020-02-16. Review status: criteria provided, single submitter. Criteria: ARUP Molecular Germline Variant Investigation Process. Collection method: clinical testing. Allele origin: germline.

Molecular Genetics Laboratory, BC Children's and BC Women's Hospitals
Classification: Likely benign for CADASIL. Last evaluated: 2020-07-20. Review status: no assertion criteria provided. Criteria: ACMG Guidelines, 2015. Collection method: clinical testing. Allele origin: germline. Affected: yes. Not counted in ClinVar's aggregate classification.

PreventionGenetics, part of Exact Sciences
Classification: Likely benign for NOTCH3-related condition. Last evaluated: 2019-08-28. Review status: no assertion criteria provided. Collection method: clinical testing. Allele origin: germline. Not counted in ClinVar's aggregate classification.
Comment: This variant is classified as likely benign based on ACMG/AMP sequence variant interpretation guidelines (Richards et al. 2015 PMID: 25741868, with internal and published modifications).